The following is an entry in ClinVar:

NM_005219.5(DIAPH1):c.80C>T (p.Pro27Leu)

Gene: DIAPH1 (diaphanous related formin 1; minus strand). Cytogenetic location: 5q31.3.
Variant type: single nucleotide variant.
Coding change: c.80C>T on transcript NM_005219.5 (MANE Select); coding-DNA position 80, C replaced by T.
Protein change: p.Pro27Leu; replaces proline 27 with leucine.
Molecular consequence: missense variant.
Genome position (GRCh38, 1-based): chr5:141,618,835, G>A on the plus strand (C>T on the coding strand, the complement: DIAPH1 is on the minus strand). VCF-style: chr5-141618835-G-A. GRCh37 (hg19) VCF-style: chr5-140998402-G-A.
Other names: c.80C>T, p.Pro27Leu (NM_001079812.3, NM_001314007.2); c.80C>T (NM_005219.4); short protein forms P27L.
Identifiers: ClinVar variation 1008651 (VCV001008651.10), dbSNP rs774909066, ClinGen allele CA3479709.

ClinVar aggregate classification (germline): Uncertain significance. Review status: criteria provided, multiple submitters, no conflicts (2 of 4 stars). 2 submissions from 2 submitters: Uncertain significance (2). Last evaluated 2025-08-26.

Conditions:
Progressive microcephaly-seizures-cortical blindness-developmental delay syndrome. Also called: Seizures, cortical blindness, and microcephaly syndrome. Identifiers: Orphanet 477814, MedGen C5567650, MONDO:0014714, OMIM 616632.
Autosomal dominant nonsyndromic hearing loss 1. Also called: DEAFNESS, AUTOSOMAL DOMINANT 1, WITH OR WITHOUT THROMBOCYTOPENIA; KONIGSMARK SYNDROME. Identifiers: Orphanet 90635, MedGen C1852282, MONDO:0007424, OMIM 124900.
Inborn genetic diseases. Identifiers: MedGen C0950123, MeSH D030342.

Allele frequency attached by ClinVar (database versions not stated): gnomAD exomes 0.00001; gnomAD 0.00004 and 0.00006; ExAC 0.00006; TOPMed 0.00008.
gnomAD v4.1: 28 of 1,549,490 alleles (0.0018%); highest among the groups gnomAD compares: African/African-American, 0.011%; no homozygotes.

Submissions (2):

Ambry Genetics
Classification: Uncertain significance for Inborn genetic diseases. Last evaluated: 2025-08-26. Review status: criteria provided, single submitter. Criteria: Ambry Variant Classification Scheme 2023. Collection method: clinical testing. Allele origin: germline.

Labcorp Genetics (formerly Invitae), Labcorp
Classification: Uncertain significance for Progressive microcephaly-seizures-cortical blindness-developmental delay syndrome; Autosomal dominant nonsyndromic hearing loss 1. Last evaluated: 2025-08-09. Review status: criteria provided, single submitter. Criteria: Invitae Variant Classification Sherloc (09022015). Collection method: clinical testing. Allele origin: germline.
Comment: This sequence change replaces proline, which is neutral and non-polar, with leucine, which is neutral and non-polar, at codon 27 of the DIAPH1 protein (p.Pro27Leu). The frequency data for this variant in the population databases is considered unreliable, as metrics indicate poor data quality at this position in the gnomAD database. This variant has not been reported in the literature in individuals affected with DIAPH1-related conditions. ClinVar contains an entry for this variant (Variation ID: 1008651). Experimental studies and prediction algorithms are not available or were not evaluated, and the functional significance of this variant is currently unknown. In summary, the available evidence is currently insufficient to determine the role of this variant in disease. Therefore, it has been classified as a Variant of Uncertain Significance.